The following is an entry in ClinVar:

NM_001367805.3(KIF23):c.2606G>A (p.Cys869Tyr)

Gene: KIF23 (kinesin family member 23; plus strand). Cytogenetic location: 15q23.
Variant type: single nucleotide variant.
Coding change: c.2606G>A on transcript NM_001367805.3 (MANE Select); coding-DNA position 2606, G replaced by A.
Protein change: p.Cys869Tyr; replaces cysteine 869 with tyrosine.
Molecular consequence: missense variant. On other transcripts: non-coding transcript variant (2), intron variant (1).
Genome position (GRCh38, 1-based): chr15:69,444,974, G>A. VCF-style: chr15-69444974-G-A. GRCh37 (hg19) VCF-style: chr15-69737313-G-A.
Other names: c.2564G>A, p.Cys855Tyr (NM_001367804.2, NM_138555.4); c.2252G>A, p.Cys751Tyr (NM_004856.7); c.2050-1035G>A (NM_001281301.2); short protein forms C751Y, C869Y, C855Y.
Identifiers: ClinVar variation 4775322 (VCV004775322.1).

ClinVar aggregate classification (germline): Uncertain significance (1 of 4 stars; one submission).

Submission:

Labcorp Genetics (formerly Invitae), Labcorp
Classification: Uncertain significance. Last evaluated: 2025-03-10. Review status: criteria provided, single submitter. Criteria: Invitae Variant Classification Sherloc (09022015). Collection method: clinical testing. Allele origin: germline.
Comment: This sequence change replaces cysteine, which is neutral and slightly polar, with tyrosine, which is neutral and polar, at codon 855 of the KIF23 protein (p.Cys855Tyr). This variant is not present in population databases (gnomAD no frequency). This variant has not been reported in the literature in individuals affected with KIF23-related conditions. An algorithm developed to predict the effect of missense changes on protein structure and function (PolyPhen-2) suggests that this variant is likely to be disruptive. In summary, the available evidence is currently insufficient to determine the role of this variant in disease. Therefore, it has been classified as a Variant of Uncertain Significance.